The following is an entry in ClinVar:

NM_006642.5(SDCCAG8):c.1436G>C (p.Arg479Thr)

Gene: SDCCAG8 (SHH signaling and ciliogenesis regulator SDCCAG8; plus strand). Cytogenetic location: 1q43.
Variant type: single nucleotide variant.
Coding change: c.1436G>C on transcript NM_006642.5 (MANE Select); coding-DNA position 1436, G replaced by C.
Protein change: p.Arg479Thr; replaces arginine 479 with threonine.
Molecular consequence: missense variant.
Genome position (GRCh38, 1-based): chr1:243,344,294, G>C. VCF-style: chr1-243344294-G-C. GRCh37 (hg19) VCF-style: chr1-243507596-G-C.
Other names: c.533G>C, p.Arg178Thr (NM_001350246.2, NM_001350247.2, NM_001350251.2); c.1532G>C, p.Arg511Thr (NM_001350248.2); c.1142G>C, p.Arg381Thr (NM_001350249.2); short protein forms R511T, R381T, R178T, R479T.
Identifiers: ClinVar variation 4988416 (VCV004988416.1).
Genomic context (GRCh38, chr1:243,344,294, plus strand): 5'-ATCAGCTGAATAAAACCAACATGGAGAAGGATGAGGCAGAAAAGGAGCACAGAGAGTTCA[G>C]AGCAAAAACTAACAGGGATCTTGAAATTAAAGATCAGGTAAGAGAGGACACAGCATAATT-3'
Protein context (NP_006633.1, residues 469-489): DEAEKEHREF[Arg479Thr]AKTNRDLEIK

ClinVar aggregate classification (germline): Uncertain significance (1 of 4 stars; one submission).

Conditions:
SDCCAG8-related disorder. Also called: SDCCAG8-Related Disorders; SDCCAG8-related condition.

gnomAD v4.1: 3 of 1,613,952 alleles (0.00019%); highest among the groups gnomAD compares: Non-Finnish European, 0.00025%; no homozygotes.

Submission:

PreventionGenetics, part of Exact Sciences
Classification: Uncertain significance for SDCCAG8-related condition. Last evaluated: 2026-07-20. Review status: criteria provided, single submitter. Criteria: ACMG Guidelines, 2015. Collection method: clinical testing. Allele origin: germline.
Comment: The SDCCAG8 c.1436G>C variant is predicted to result in the amino acid substitution p.Arg479Thr. To our knowledge, this variant has not been reported in the literature or in a large population database, indicating this variant is rare. At this time, the clinical significance of this variant is uncertain due to the absence of conclusive functional and genetic evidence.